The following is an entry in ClinVar:

ClinVar aggregate classification (germline): Conflicting classifications of pathogenicity. Review status: criteria provided, conflicting classifications (1 of 4 stars). 8 submissions from 8 submitters: Uncertain significance (1); Benign (1); Likely benign (6). Last evaluated 2025-08-12.

Conditions:
Inborn genetic diseases. Identifiers: MedGen C0950123, MeSH D030342.
Autosomal dominant nonsyndromic hearing loss 5. Identifiers: Orphanet 90635, MedGen C1832932, MONDO:0010973, OMIM 600994.

Allele frequency attached by ClinVar (database versions not stated): 1000 Genomes Project 30x 0.00016; 1000 Genomes Project 0.00020; gnomAD 0.00036 and 0.00043; TOPMed 0.00038; gnomAD exomes 0.00044 and 0.00085; ExAC 0.00074.
gnomAD v4.1: 718 of 1,613,652 alleles (0.044%); highest among the groups gnomAD compares: Middle Eastern, 1.1%; 11 homozygotes.

Submissions (8):

Labcorp Genetics (formerly Invitae), Labcorp
Classification: Likely benign. Last evaluated: 2025-08-12. Review status: criteria provided, single submitter. Criteria: Invitae Variant Classification Sherloc (09022015). Collection method: clinical testing. Allele origin: germline.

Blueprint Genetics
Classification: Likely benign. Last evaluated: 2024-10-08. Review status: criteria provided, single submitter. Criteria: ACMG Guidelines, 2015. Collection method: clinical testing. Allele origin: germline.

Ambry Genetics
Classification: Uncertain significance for Inborn genetic diseases. Last evaluated: 2024-06-17. Review status: criteria provided, single submitter. Criteria: Ambry Variant Classification Scheme 2023. Collection method: clinical testing. Allele origin: germline.

CeGaT Center for Human Genetics Tuebingen
Classification: Likely benign. Last evaluated: 2023-12-01. Review status: criteria provided, single submitter. Criteria: CeGaT Center For Human Genetics Tuebingen Variant Classification Criteria Version 2. Collection method: clinical testing. Allele origin: germline. Affected: yes. Observed: 1 variant allele.
Comment: GSDME: BP4, BS2

GeneDx
Classification: Benign. Last evaluated: 2019-05-13. Review status: criteria provided, single submitter. Criteria: GeneDx Variant Classification Process June 2021. Collection method: clinical testing. Allele origin: germline. Affected: yes.

Illumina Laboratory Services, Illumina
Classification: Likely benign for Autosomal dominant nonsyndromic hearing loss 5. Last evaluated: 2018-01-12. Review status: criteria provided, single submitter. Criteria: ICSL Variant Classification Criteria 13 December 2019. Collection method: clinical testing. Allele origin: germline.
Comment: This variant was observed in the ICSL laboratory as part of a predisposition screen in an ostensibly healthy population. It had not been previously curated by ICSL or reported in the Human Gene Mutation Database (HGMD: prior to June 1st, 2018), and was therefore a candidate for classification through an automated scoring system. Utilizing variant allele frequency, disease prevalence and penetrance estimates, and inheritance mode, an automated score was calculated to assess if this variant is too frequent to cause the disease. Based on the score and internal cut-off values, a variant classified as likely benign is not then subjected to further curation. The score for this variant resulted in a classification of likely benign for this disease.

Laboratory for Molecular Medicine, Mass General Brigham Personalized Medicine
Classification: Likely benign. Last evaluated: 2016-11-23. Review status: criteria provided, single submitter. Criteria: LMM Criteria. Collection method: clinical testing. Allele origin: germline. Observed: 1 variant allele.
Comment: p.Leu403Pro in exon 9 of DFNA5: This variant is not expected to have clinical si gnificance because it has been identified in 0.3% (44/16512) of South Asian chro mosomes by the Exome Aggregation Consortium (ExAC, g; dbSNP rs199971778).

Breakthrough Genomics
Classification: Likely benign. Review status: criteria provided, single submitter. Criteria: ACMG Guidelines, 2015. Collection method: not provided. Allele origin: germline. Inheritance: Autosomal dominant inheritance. Affected: yes.

NM_001127453.2(GSDME):c.1208T>C (p.Leu403Pro)

Gene: GSDME (gasdermin E; minus strand). Cytogenetic location: 7p15.3.
Variant type: single nucleotide variant.
Coding change: c.1208T>C on transcript NM_001127453.2 (MANE Select); coding-DNA position 1208, T replaced by C.
Protein change: p.Leu403Pro; replaces leucine 403 with proline.
Molecular consequence: missense variant.
Genome position (GRCh38, 1-based): chr7:24,702,809, A>G on the plus strand (T>C on the coding strand, the complement: GSDME is on the minus strand). VCF-style: chr7-24702809-A-G. GRCh37 (hg19) VCF-style: chr7-24742428-A-G.
Other names: c.716T>C, p.Leu239Pro (NM_001127454.2); c.1208T>C, p.Leu403Pro (NM_004403.3); short protein forms L403P, L239P.
Identifiers: ClinVar variation 517175 (VCV000517175.43), dbSNP rs199971778, ClinGen allele CA4191357.